The following is an entry in ClinVar:

NM_006565.4(CTCF):c.74dup (p.Tyr25Ter)

Gene: CTCF (CCCTC-binding factor; plus strand). Cytogenetic location: 16q22.1.
Variant type: Duplication.
Coding change: c.74dup on transcript NM_006565.4 (MANE Select); coding-DNA position 74, one base duplicated (A; older notation c.74dupA).
Protein change: p.Tyr25Ter; replaces tyrosine 25 with a stop codon.
Molecular consequence: nonsense. On other transcripts: intron variant (1).
Genome position (GRCh38, 1-based): chr16:67,610,906, A duplicated. VCF-style (leftmost placement, unchanged base first): chr16-67610905-T-TA. GRCh37 (hg19) VCF-style: chr16-67644808-T-TA.
Other names: c.74dup, p.Tyr25Ter (NM_001363916.2, NM_001438968.1, NM_001438969.1); c.-32-5839dup (NM_001191022.2); short protein forms Y25*.
Identifiers: ClinVar variation 4856260 (VCV004856260.1).
Genomic context (GRCh38, chr16:67,610,905, plus strand): 5'-GCAGTCGAAGCCATTGTGGAGGAGTCCGAAACTTTTATTAAAGGAAAGGAGAGAAAGACT[T>TA]ACCAGAGACGCCGGGAAGGGGGCCAGGAAGAAGATGCCTGCCACTTACCCCAGAACCAGA-3'

ClinVar aggregate classification (germline): Likely pathogenic (1 of 4 stars; one submission).

Conditions:
CTCF-related neurodevelopmental disorder. Also called: INTELLECTUAL DEVELOPMENTAL DISORDER, AUTOSOMAL DOMINANT 21; Intellectual disability-feeding difficulties-developmental delay-microcephaly syndrome. Identifiers: Orphanet 363611, MedGen C3809686, MONDO:0014213, OMIM 615502.

Submission:

3billion
Classification: Likely pathogenic for CTCF-related neurodevelopmental disorder. Last evaluated: 2025-09-23. Review status: criteria provided, single submitter. Criteria: ACMG Guidelines, 2015. Collection method: clinical testing. Allele origin: germline. Affected: yes.
Comment: The variant is observed at an extremely low frequency in the gnomAD v4.1.0 dataset (total allele frequency: <0.001%). Predicted Consequence/Location: Stop-gained (nonsense): predicted to result in a loss or disruption of normal protein function through nonsense-mediated decay (NMD) or protein truncation. Multiple pathogenic variants are reported downstream of the variant. Therefore, this variant is classified as Likely pathogenic according to the recommendation of ACMG/AMP guideline.